The following is an entry in ClinVar:

ClinVar aggregate classification (germline): Likely benign (0 of 4 stars; one submission).

Conditions:
MFHAS1-related disorder. Also called: MFHAS1-related condition.

Allele frequency attached by ClinVar (database versions not stated): 1000 Genomes Project 30x 0.00031; 1000 Genomes Project 0.00040.
gnomAD v4.1: 57 of 1,612,956 alleles (0.0035%); highest among the groups gnomAD compares: East Asian, 0.058%; no homozygotes.

Submission:

PreventionGenetics, part of Exact Sciences
Classification: Likely benign for MFHAS1-related condition. Last evaluated: 2019-07-12. Review status: no assertion criteria provided. Collection method: clinical testing. Allele origin: germline.
Comment: This variant is classified as likely benign based on ACMG/AMP sequence variant interpretation guidelines (Richards et al. 2015 PMID: 25741868, with internal and published modifications).

NM_004225.3(MFHAS1):c.1869C>G (p.Pro623=)

Gene: MFHAS1 (multifunctional ROCO family signaling regulator 1). Cytogenetic location: 8p23.1.
Variant type: single nucleotide variant.
Coding change: c.1869C>G on transcript NM_004225.3 (MANE Select); coding-DNA position 1869, C replaced by G.
Protein change: p.Pro623=; no amino-acid change (proline 623 retained).
Molecular consequence: synonymous variant.
Genome position (GRCh38, 1-based): chr8:8,891,190, G>C on the plus strand (C>G on the coding strand, the complement: MFHAS1 is on the minus strand). VCF-style: chr8-8891190-G-C. GRCh37 (hg19) VCF-style: chr8-8748700-G-C.
Identifiers: ClinVar variation 3050597 (VCV003050597.2), dbSNP rs201372453, ClinGen allele CA4619126.